The following is an entry in ClinVar:

NM_000632.4(ITGAM):c.3415G>A (p.Asp1139Asn)

Gene: ITGAM (integrin subunit alpha M; plus strand). Cytogenetic location: 16p11.2.
Variant type: single nucleotide variant.
Coding change: c.3415G>A on transcript NM_000632.4 (MANE Select); coding-DNA position 3415, G replaced by A.
Protein change: p.Asp1139Asn; replaces aspartic acid 1139 with asparagine.
Molecular consequence: missense variant.
Genome position (GRCh38, 1-based): chr16:31,331,663, G>A. VCF-style: chr16-31331663-G-A. GRCh37 (hg19) VCF-style: chr16-31342984-G-A.
Other names: c.3418G>A, p.Asp1140Asn (NM_001145808.2); short protein forms D1139N, D1140N.
Identifiers: ClinVar variation 1375199 (VCV001375199.6), dbSNP rs200496475, ClinGen allele CA8026241.

ClinVar aggregate classification (germline): Uncertain significance (1 of 4 stars; one submission).

Allele frequency attached by ClinVar (database versions not stated): gnomAD exomes 0.00001 and 0.00002; ExAC 0.00004; gnomAD 0.00015; TOPMed 0.00045; 1000 Genomes Project 30x 0.00062; 1000 Genomes Project 0.00080.
gnomAD v4.1: 45 of 1,610,466 alleles (0.0028%); highest among the groups gnomAD compares: Admixed American, 0.045%; no homozygotes.

Submission:

Labcorp Genetics (formerly Invitae), Labcorp
Classification: Uncertain significance. Last evaluated: 2025-12-11. Review status: criteria provided, single submitter. Criteria: Invitae Variant Classification Sherloc (09022015). Collection method: clinical testing. Allele origin: germline.
Comment: This sequence change replaces aspartic acid, which is acidic and polar, with asparagine, which is neutral and polar, at codon 1139 of the ITGAM protein (p.Asp1139Asn). This variant is present in population databases (rs200496475, gnomAD 0.003%). This variant has not been reported in the literature in individuals affected with ITGAM-related conditions. ClinVar contains an entry for this variant (Variation ID: 1375199). An algorithm developed to predict the effect of missense changes on protein structure and function (PolyPhen-2) suggests that this variant is likely to be disruptive. In summary, the available evidence is currently insufficient to determine the role of this variant in disease. Therefore, it has been classified as a Variant of Uncertain Significance.